The following is an entry in ClinVar:

NM_000478.6(ALPL):c.649-3del

Gene: ALPL (alkaline phosphatase, biomineralization associated; plus strand). Cytogenetic location: 1p36.12.
Variant type: Deletion.
Coding change: c.649-3del on transcript NM_000478.6 (MANE Select); 3 bases into the intron before coding-DNA position 649, one base deleted (T; older notation c.649-3delT).
Molecular consequence: intron variant.
Genome position (GRCh38, 1-based): chr1:21,568,101, T deleted; the last of 4 consecutive T bases (chr1:21,568,098-21,568,101); deleting any one gives the same sequence. VCF-style (leftmost placement, unchanged base first): chr1-21568097-CT-C. GRCh37 (hg19) VCF-style: chr1-21894590-CT-C.
Other names: c.649-3del (NM_001369805.2, NM_001369804.2, NM_001369803.2); c.484-3del (NM_001127501.4); c.418-3del (NM_001177520.3).
Identifiers: ClinVar variation 4974814 (VCV004974814.1).
Genomic context (GRCh38, chr1:21,568,097, plus strand): 5'-GCCGAGGTCACTGGGGCTTCTGGGCATCTTGGAACCCTGCAGAAGTGATGGCTCCTGTCT[CT>C]TTTAGGTGATCATGGGGGGTGGCCGGAAATACATGTACCCCAAGAATAAAACTGATGTGG-3'

ClinVar aggregate classification (germline): Uncertain significance (1 of 4 stars; one submission).

Conditions:
Hypophosphatasia. Also called: Phosphoethanol-aminuria. Identifiers: Orphanet 436, MedGen C0020630, MeSH D007014, MONDO:0018570.

Submission:

Genomenon, Inc
Classification: Uncertain significance for Hypophosphatasia. Last evaluated: 2026-09-01. Review status: criteria provided, single submitter. Criteria: Genomenon Sequence Variant Interpretation Standards - Updated. Collection method: curation. Allele origin: germline. Affected: no.
Comment: ALPL c.649-3del is a deletion variant that affects the acceptor splice region of intron 6. This variant has been reported in the published literature (PMID:32160374). It is absent or not present at a significant frequency in gnomAD. This variant is not predicted to impact splicing. In conclusion, we classify ALPL c.649-3del as a variant of uncertain significance.

Literature cited by the submitters: PubMed 32160374.